The following is an entry in ClinVar:

NM_007217.4(PDCD10):c.97-1G>A

Gene: PDCD10 (programmed cell death 10; minus strand). Cytogenetic location: 3q26.1.
Variant type: single nucleotide variant.
Coding change: c.97-1G>A on transcript NM_007217.4 (MANE Select); the canonical splice acceptor site of the intron before coding-DNA position 97, G replaced by A.
Molecular consequence: splice acceptor variant.
Genome position (GRCh38, 1-based): chr3:167,704,896, C>T on the plus strand (G>A on the coding strand, the complement: PDCD10 is on the minus strand). VCF-style: chr3-167704896-C-T. GRCh37 (hg19) VCF-style: chr3-167422684-C-T.
Other names: c.97-1G>A (NM_145860.2, NM_145859.2).
Identifiers: ClinVar variation 2115676 (VCV002115676.4), dbSNP rs1314521430, ClinGen allele CA355155091.

ClinVar aggregate classification (germline): Pathogenic (1 of 4 stars; one submission).

Conditions:
Cerebral cavernous malformation 3. Also called: Familial Cerebral Cavernous Malformation 3. Identifiers: Orphanet 221061, MedGen C1864040, MONDO:0011305, OMIM 603285.

Submission:

Labcorp Genetics (formerly Invitae), Labcorp
Classification: Pathogenic for Cerebral cavernous malformation 3. Last evaluated: 2023-10-23. Review status: criteria provided, single submitter. Criteria: Invitae Variant Classification Sherloc (09022015). Collection method: clinical testing. Allele origin: germline.
Comment: This sequence change affects an acceptor splice site in intron 2 of the PDCD10 gene. It is expected to disrupt RNA splicing. Variants that disrupt the donor or acceptor splice site typically lead to a loss of protein function (PMID: 16199547), and loss-of-function variants in PDCD10 are known to be pathogenic (PMID: 15543491, 18300272, 23801932). This variant is present in population databases (no rsID available, gnomAD 0.003%). Disruption of this splice site has been observed in individual(s) with clinical features of cerebral cavernous malformations (Invitae). In at least one individual the variant was observed to be de novo. ClinVar contains an entry for this variant (Variation ID: 2115676). Algorithms developed to predict the effect of sequence changes on RNA splicing suggest that this variant may disrupt the consensus splice site. For these reasons, this variant has been classified as Pathogenic.

Literature cited by the submitters: PubMed 16199547; PubMed 15543491; PubMed 18300272; PubMed 23801932.